The following is an entry in ClinVar:

NM_177398.4(LMX1A):c.556G>T (p.Ala186Ser)

Gene: LMX1A (LIM homeobox transcription factor 1 alpha; minus strand). Cytogenetic location: 1q23.3.
Variant type: single nucleotide variant.
Coding change: c.556G>T on transcript NM_177398.4 (MANE Select); coding-DNA position 556, G replaced by T.
Protein change: p.Ala186Ser; replaces alanine 186 with serine.
Molecular consequence: missense variant.
Genome position (GRCh38, 1-based): chr1:165,213,754, C>A on the plus strand (G>T on the coding strand, the complement: LMX1A is on the minus strand). VCF-style: chr1-165213754-C-A. GRCh37 (hg19) VCF-style: chr1-165182991-C-A.
Other names: c.556G>T, p.Ala186Ser (NM_001174069.2); short protein forms A186S.
Identifiers: ClinVar variation 3388422 (VCV003388422.14).

ClinVar aggregate classification (germline): Likely benign (1 of 4 stars; one submission).

gnomAD v4.1: 4 of 1,614,106 alleles (0.00025%); highest among the groups gnomAD compares: Middle Eastern, 0.017%; no homozygotes.

Submission:

CeGaT Center for Human Genetics Tuebingen
Classification: Likely benign. Last evaluated: 2024-10-01. Review status: criteria provided, single submitter. Criteria: CeGaT Center For Human Genetics Tuebingen Variant Classification Criteria Version 2. Collection method: clinical testing. Allele origin: germline. Affected: yes. Observed: 1 variant allele.
Comment: LMX1A: BP4